The following is an entry in ClinVar:

ClinVar aggregate classification (germline): Uncertain significance (1 of 4 stars; one submission).

Conditions:
Ataxia-telangiectasia syndrome (AT). Also called: Ataxia-telangiectasia, complementation group D; AT, COMPLEMENTATION GROUP C; Cerebello-oculocutaneous telangiectasia; Immunodeficiency with ataxia telangiectasia; Ataxia-telangiectasia, complementation group E; LOUIS-BAR SYNDROME. Identifiers: Orphanet 100, MedGen C0004135, MONDO:0008840, OMIM 208900.

Submission:

Labcorp Genetics (formerly Invitae), Labcorp
Classification: Uncertain significance for Ataxia-telangiectasia syndrome. Last evaluated: 2021-12-15. Review status: criteria provided, single submitter. Criteria: Invitae Variant Classification Sherloc (09022015). Collection method: clinical testing. Allele origin: germline.
Comment: In summary, the available evidence is currently insufficient to determine the role of this variant in disease. Therefore, it has been classified as a Variant of Uncertain Significance. Advanced modeling of protein sequence and biophysical properties (such as structural, functional, and spatial information, amino acid conservation, physicochemical variation, residue mobility, and thermodynamic stability) performed at Invitae indicates that this missense variant is not expected to disrupt ATM protein function. This variant has not been reported in the literature in individuals affected with ATM-related conditions. This variant is not present in population databases (gnomAD no frequency). This sequence change replaces isoleucine, which is neutral and non-polar, with phenylalanine, which is neutral and non-polar, at codon 1631 of the ATM protein (p.Ile1631Phe).

NM_000051.4(ATM):c.4891A>T (p.Ile1631Phe)

Gene: ATM (ATM serine/threonine kinase; plus strand). Cytogenetic location: 11q22.3.
Variant type: single nucleotide variant.
Coding change: c.4891A>T on transcript NM_000051.4 (MANE Select); coding-DNA position 4891, A replaced by T.
Protein change: p.Ile1631Phe; replaces isoleucine 1631 with phenylalanine.
Molecular consequence: missense variant.
Genome position (GRCh38, 1-based): chr11:108,295,041, A>T. VCF-style: chr11-108295041-A-T. GRCh37 (hg19) VCF-style: chr11-108165768-A-T.
Other names: c.4891A>T, p.Ile1631Phe (NM_001351834.2); short protein forms I1631F.
Identifiers: ClinVar variation 1465699 (VCV001465699.6), dbSNP rs2135837721, ClinGen allele CA382537221.